The following is an entry in ClinVar:

NM_006420.3(ARFGEF2):c.3826G>C (p.Glu1276Gln)

Gene: ARFGEF2 (ARF guanine nucleotide exchange factor 2; plus strand). Cytogenetic location: 20q13.13.
Variant type: single nucleotide variant.
Coding change: c.3826G>C on transcript NM_006420.3 (MANE Select); coding-DNA position 3826, G replaced by C.
Protein change: p.Glu1276Gln; replaces glutamic acid 1276 with glutamine.
Molecular consequence: missense variant.
Genome position (GRCh38, 1-based): chr20:49,011,992, G>C. VCF-style: chr20-49011992-G-C. GRCh37 (hg19) VCF-style: chr20-47628529-G-C.
Other names: c.3823G>C, p.Glu1275Gln (NM_001410846.1); short protein forms E1276Q, E1275Q.
Identifiers: ClinVar variation 1947505 (VCV001947505.3), dbSNP rs1223753023, ClinGen allele CA409322261.

ClinVar aggregate classification (germline): Uncertain significance (1 of 4 stars; one submission).

Allele frequency attached by ClinVar (database versions not stated): gnomAD exomes below 0.00001.

Submission:

Labcorp Genetics (formerly Invitae), Labcorp
Classification: Uncertain significance. Last evaluated: 2025-04-28. Review status: criteria provided, single submitter. Criteria: Invitae Variant Classification Sherloc (09022015). Collection method: clinical testing. Allele origin: germline.
Comment: This sequence change replaces glutamic acid, which is acidic and polar, with glutamine, which is neutral and polar, at codon 1276 of the ARFGEF2 protein (p.Glu1276Gln). This variant is not present in population databases (gnomAD no frequency). This variant has not been reported in the literature in individuals affected with ARFGEF2-related conditions. ClinVar contains an entry for this variant (Variation ID: 1947505). An algorithm developed to predict the effect of missense changes on protein structure and function (PolyPhen-2) suggests that this variant is likely to be disruptive. In summary, the available evidence is currently insufficient to determine the role of this variant in disease. Therefore, it has been classified as a Variant of Uncertain Significance.